The following is an entry in ClinVar:

NM_001283009.2(RTEL1):c.632T>A (p.Leu211Gln)

Genes: RTEL1 (regulator of telomere elongation helicase 1; plus strand), RTEL1-TNFRSF6B (RTEL1-TNFRSF6B readthrough (NMD candidate); plus strand). Cytogenetic location: 20q13.33.
Variant type: single nucleotide variant.
Coding change: c.632T>A on transcript NM_001283009.2 (MANE Select); coding-DNA position 632, T replaced by A.
Protein change: p.Leu211Gln; replaces leucine 211 with glutamine.
Molecular consequence: missense variant. On other transcripts: non-coding transcript variant (1), 5 prime UTR variant (1).
Genome position (GRCh38, 1-based): chr20:63,667,486, T>A. VCF-style: chr20-63667486-T-A. GRCh37 (hg19) VCF-style: chr20-62298839-T-A.
Other names: c.-38T>A (NM_001283010.1); c.632T>A, p.Leu211Gln (NM_016434.4); c.704T>A, p.Leu235Gln (NM_032957.5); short protein forms L211Q, L235Q.
Identifiers: ClinVar variation 1935843 (VCV001935843.5), dbSNP rs143455398, ClinGen allele CA9964380.

ClinVar aggregate classification (germline): Uncertain significance (1 of 4 stars; one submission).

Conditions:
Dyskeratosis congenita, autosomal recessive 5 (DKCB5). Identifiers: MedGen C3554656, MONDO:0014076, OMIM 615190.
Pulmonary fibrosis and/or bone marrow failure, Telomere-related, 3. Also called: PULMONARY FIBROSIS AND/OR BONE MARROW FAILURE SYNDROME, TELOMERE-RELATED, 3. Identifiers: Orphanet 2032, MedGen C4225346, MONDO:0014613, OMIM 616373.

Allele frequency attached by ClinVar (database versions not stated): gnomAD exomes below 0.00001; ExAC 0.00001; gnomAD 0.00001; ESP Exome Variant Server 0.00008.
gnomAD v4.1: 2 of 1,613,760 alleles (0.00012%); highest among the groups gnomAD compares: African/African-American, 0.0027%; no homozygotes.

Submission:

Labcorp Genetics (formerly Invitae), Labcorp
Classification: Uncertain significance for Dyskeratosis congenita, autosomal recessive 5; Pulmonary fibrosis and/or bone marrow failure, Telomere-related, 3. Last evaluated: 2023-09-29. Review status: criteria provided, single submitter. Criteria: Invitae Variant Classification Sherloc (09022015). Collection method: clinical testing. Allele origin: germline.
Comment: In summary, the available evidence is currently insufficient to determine the role of this variant in disease. Therefore, it has been classified as a Variant of Uncertain Significance. This sequence change replaces leucine, which is neutral and non-polar, with glutamine, which is neutral and polar, at codon 211 of the RTEL1 protein (p.Leu211Gln). This variant is present in population databases (rs143455398, gnomAD 0.01%). This variant has not been reported in the literature in individuals affected with RTEL1-related conditions. ClinVar contains an entry for this variant (Variation ID: 1935843). An algorithm developed to predict the effect of missense changes on protein structure and function (PolyPhen-2) suggests that this variant is likely to be disruptive.